The following is an entry in ClinVar:

ClinVar aggregate classification (germline): Likely pathogenic (1 of 4 stars; one submission).

Conditions:
Hypertrophic cardiomyopathy. Also called: HYPERTROPHIC MYOCARDIOPATHY. Identifiers: Orphanet 217569, MedGen C0007194, MeSH D002312, MONDO:0005045, HP:0001639.

Submission:

Labcorp Genetics (formerly Invitae), Labcorp
Classification: Likely pathogenic for Hypertrophic cardiomyopathy. Last evaluated: 2024-10-02. Review status: criteria provided, single submitter. Criteria: Invitae Variant Classification Sherloc (09022015). Collection method: clinical testing. Allele origin: germline.
Comment: This sequence change affects an acceptor splice site in intron 25 of the MYBPC3 gene. It is expected to disrupt RNA splicing. Variants that disrupt the donor or acceptor splice site typically lead to a loss of protein function (PMID: 16199547), and loss-of-function variants in MYBPC3 are known to be pathogenic (PMID: 19574547). This variant is not present in population databases (gnomAD no frequency). Disruption of this splice site has been observed in individual(s) with hypertrophic cardiomyopathy (PMID: 25351510, 27532257, 30297972). ClinVar contains an entry for this variant (Variation ID: 2125400). Algorithms developed to predict the effect of sequence changes on RNA splicing suggest that this variant may disrupt the consensus splice site. In summary, the currently available evidence indicates that the variant is pathogenic, but additional data are needed to prove that conclusively. Therefore, this variant has been classified as Likely Pathogenic.

Literature cited by the submitters: PubMed 16199547; PubMed 19574547; PubMed 25351510; PubMed 27532257; PubMed 30297972.

NM_000256.3(MYBPC3):c.2603-1G>T

Gene: MYBPC3 (myosin binding protein C3; minus strand). Cytogenetic location: 11p11.2.
Variant type: single nucleotide variant.
Coding change: c.2603-1G>T on transcript NM_000256.3 (MANE Select); the canonical splice acceptor site of the intron before coding-DNA position 2603, G replaced by T.
Molecular consequence: splice acceptor variant.
Genome position (GRCh38, 1-based): chr11:47,336,012, C>A on the plus strand (G>T on the coding strand, the complement: MYBPC3 is on the minus strand). VCF-style: chr11-47336012-C-A. GRCh37 (hg19) VCF-style: chr11-47357563-C-A.
Identifiers: ClinVar variation 2125400 (VCV002125400.4), dbSNP rs977277400, ClinGen allele CA380317468.